The following is an entry in ClinVar:

NM_000486.6(AQP2):c.553C>G (p.Pro185Ala)

Genes: AQP2 (aquaporin 2; plus strand), AQP5-AS1 (AQP5 and AQP2 antisense RNA 2; minus strand). Cytogenetic location: 12q13.12.
Variant type: single nucleotide variant.
Coding change: c.553C>G on transcript NM_000486.6 (MANE Select); coding-DNA position 553, C replaced by G.
Protein change: p.Pro185Ala; replaces proline 185 with alanine.
Molecular consequence: missense variant.
Genome position (GRCh38, 1-based): chr12:49,954,657, C>G. VCF-style: chr12-49954657-C-G. GRCh37 (hg19) VCF-style: chr12-50348440-C-G.
Other names: short protein forms P185A.
Identifiers: ClinVar variation 3574920 (VCV003574920.2).

ClinVar aggregate classification (germline): Likely pathogenic. Review status: criteria provided, multiple submitters, no conflicts (2 of 4 stars). 2 submissions from 2 submitters: Likely pathogenic (2). Last evaluated 2025-02-05.

Conditions:
Nephrogenic diabetes insipidus. Identifiers: Orphanet 223, MedGen C0162283, MONDO:0016383, HP:0009806.
Diabetes insipidus, nephrogenic, autosomal (NDI2). Also called: Nephrogenic Diabetes Insipidus, Type II; Diabetes insipidus, nephrogenic, 2, autosomal. Identifiers: Orphanet 223, MedGen C1563706, MONDO:0007451, OMIM 125800.

gnomAD v4.1: 33 of 1,614,116 alleles (0.002%); highest among the groups gnomAD compares: Non-Finnish European, 0.0026%; no homozygotes.

Submissions (2):

Natera, Inc.
Classification: Likely pathogenic for Nephrogenic diabetes insipidus. Last evaluated: 2025-02-05. Review status: criteria provided, single submitter. Criteria: Natera Variant Classification Schema (03/2026). Collection method: clinical testing. Allele origin: germline.
Comment: The c.553C>G variant in AQP2 is a missense variant predicted to cause substitution of proline to alanine at amino acid 185. This variant is rare in the general population with a frequency below the threshold expected for the associated phenotype(s). This variant has been observed in one or more individuals affected with the associated recessive disease, as either homozygous or compound heterozygous with a second variant (PMID: 12191971, 9302264). Functional studies show that this variant may disrupt protein function (PMID: 12191971). Computational prediction algorithms indicate this variant is likely to affect gene or protein function. Given the available evidence, this variant is classified as Likely Pathogenic.

Fulgent Genetics
Classification: Likely pathogenic for Diabetes insipidus, nephrogenic, autosomal. Last evaluated: 2024-02-17. Review status: criteria provided, single submitter. Criteria: ACMG Guidelines, 2015. Collection method: clinical testing. Allele origin: germline.

Literature cited by the submitters: PubMed 12191971 (cited by Natera, Inc.); PubMed 9302264 (cited by Natera, Inc.).